The following is an entry in ClinVar:

ClinVar aggregate classification (germline): Uncertain significance. Review status: criteria provided, multiple submitters, no conflicts (2 of 4 stars). 3 submissions from 3 submitters: Uncertain significance (2). 1 of the submissions does not count toward it. Last evaluated 2025-08-21.

Conditions:
Bardet-Biedl syndrome (BBS). Identifiers: Orphanet 110, MedGen C0752166, MONDO:0015229.
Bardet-Biedl syndrome 10 (BBS10). Identifiers: Orphanet 110, MedGen C1859568, MONDO:0014438, OMIM 615987.
BBS10-related disorder. Also called: BBS10-related condition.

Allele frequency attached by ClinVar (database versions not stated): ExAC 0.00002; TOPMed 0.00002; gnomAD 0.00003; gnomAD exomes 0.00003.

Submissions (3):

Labcorp Genetics (formerly Invitae), Labcorp
Classification: Uncertain significance for Bardet-Biedl syndrome. Last evaluated: 2025-08-21. Review status: criteria provided, single submitter. Criteria: Invitae Variant Classification Sherloc (09022015). Collection method: clinical testing. Allele origin: germline.
Comment: This sequence change replaces methionine, which is neutral and non-polar, with valine, which is neutral and non-polar, at codon 5 of the BBS10 protein (p.Met5Val). This variant is present in population databases (rs759336617, gnomAD 0.007%). This variant has not been reported in the literature in individuals affected with BBS10-related conditions. ClinVar contains an entry for this variant (Variation ID: 2151556). Invitae Evidence Modeling of protein sequence and biophysical properties (such as structural, functional, and spatial information, amino acid conservation, physicochemical variation, residue mobility, and thermodynamic stability) indicates that this missense variant is not expected to disrupt BBS10 protein function with a negative predictive value of 95%. In summary, the available evidence is currently insufficient to determine the role of this variant in disease. Therefore, it has been classified as a Variant of Uncertain Significance.

Fulgent Genetics
Classification: Uncertain significance for Bardet-Biedl syndrome 10. Last evaluated: 2024-06-15. Review status: criteria provided, single submitter. Criteria: ACMG Guidelines, 2015. Collection method: clinical testing. Allele origin: germline.

PreventionGenetics, part of Exact Sciences
Classification: Uncertain significance for BBS10-related condition. Last evaluated: 2024-01-15. Review status: no assertion criteria provided. Collection method: clinical testing. Allele origin: germline. Not counted in ClinVar's aggregate classification.
Comment: The BBS10 c.13A>G variant is predicted to result in the amino acid substitution p.Met5Val. To our knowledge, this variant has not been reported in the literature. This variant is reported in 0.0061% of alleles in individuals of East Asian descent in gnomAD. At this time, the clinical significance of this variant is uncertain due to the absence of conclusive functional and genetic evidence.

NM_024685.4(BBS10):c.13A>G (p.Met5Val)

Gene: BBS10 (Bardet-Biedl syndrome 10; minus strand). Cytogenetic location: 12q21.2.
Variant type: single nucleotide variant.
Coding change: c.13A>G on transcript NM_024685.4 (MANE Select); coding-DNA position 13, A replaced by G.
Protein change: p.Met5Val; replaces methionine 5 with valine.
Molecular consequence: missense variant.
Genome position (GRCh38, 1-based): chr12:76,348,346, T>C on the plus strand (A>G on the coding strand, the complement: BBS10 is on the minus strand). VCF-style: chr12-76348346-T-C. GRCh37 (hg19) VCF-style: chr12-76742126-T-C.
Other names: c.13A>G (NM_024685.3); short protein forms M5V.
Identifiers: ClinVar variation 2151556 (VCV002151556.5), dbSNP rs759336617, ClinGen allele CA6694446.